The following is an entry in ClinVar:

NC_000015.10:g.84817139G>A

Gene: ALPK3 (alpha kinase 3; plus strand). Cytogenetic location: 15q25.3.
Variant type: single nucleotide variant.
Genome position: GRCh38 VCF-style: chr15-84817139-G-A. GRCh37 (hg19) VCF-style: chr15-85360370-G-A.
Identifiers: ClinVar variation 2988601 (VCV002988601.3), dbSNP rs1299330619, ClinGen allele CA393368612.

ClinVar aggregate classification (germline): Uncertain significance (1 of 4 stars; one submission).

Allele frequency attached by ClinVar (database versions not stated): TOPMed below 0.00001.

Submission:

Labcorp Genetics (formerly Invitae), Labcorp
Classification: Uncertain significance. Last evaluated: 2023-08-31. Review status: criteria provided, single submitter. Criteria: Invitae Variant Classification Sherloc (09022015). Collection method: clinical testing. Allele origin: germline.
Comment: In summary, the available evidence is currently insufficient to determine the role of this variant in disease. Therefore, it has been classified as a Variant of Uncertain Significance. An algorithm developed to predict the effect of missense changes on protein structure and function (PolyPhen-2) suggests that this variant is likely to be tolerated. This variant has not been reported in the literature in individuals affected with ALPK3-related conditions. This variant is not present in population databases (gnomAD no frequency). This sequence change replaces arginine, which is basic and polar, with lysine, which is basic and polar, at codon 98 of the ALPK3 protein (p.Arg98Lys).